The following is an entry in ClinVar:

ClinVar aggregate classification (germline): Likely benign. Review status: criteria provided, multiple submitters, no conflicts (2 of 4 stars). 3 submissions from 3 submitters: Likely benign (2). 1 of the submissions does not count toward it. Last evaluated 2024-07-03.

Conditions:
PKD1-related disorder. Also called: PKD1-related condition.
Inborn genetic diseases. Identifiers: MedGen C0950123, MeSH D030342.

Allele frequency attached by ClinVar (database versions not stated): ExAC 0.00042; 1000 Genomes Project 30x 0.00109; 1000 Genomes Project 0.00120.
gnomAD v4.1: 197 of 1,612,460 alleles (0.012%); highest among the groups gnomAD compares: East Asian, 0.43%; 2 homozygotes.

Submissions (3):

Blueprint Genetics
Classification: Likely benign. Last evaluated: 2024-07-03. Review status: criteria provided, single submitter. Criteria: ACMG Guidelines, 2015. Collection method: clinical testing. Allele origin: germline.

Ambry Genetics
Classification: Likely benign for Inborn genetic diseases. Last evaluated: 2023-12-19. Review status: criteria provided, single submitter. Criteria: Ambry Variant Classification Scheme 2023. Collection method: clinical testing. Allele origin: germline.

PreventionGenetics, part of Exact Sciences
Classification: Benign for PKD1-related condition. Last evaluated: 2022-05-06. Review status: no assertion criteria provided. Collection method: clinical testing. Allele origin: germline. Not counted in ClinVar's aggregate classification.
Comment: This variant is classified as benign based on ACMG/AMP sequence variant interpretation guidelines (Richards et al. 2015 PMID: 25741868, with internal and published modifications).

NM_001009944.3(PKD1):c.12313A>C (p.Ile4105Leu)

Gene: PKD1 (polycystin 1, transient receptor potential channel interacting; minus strand). Cytogenetic location: 16p13.3.
Variant type: single nucleotide variant.
Coding change: c.12313A>C on transcript NM_001009944.3 (MANE Select); coding-DNA position 12313, A replaced by C.
Protein change: p.Ile4105Leu; replaces isoleucine 4105 with leucine.
Molecular consequence: missense variant.
Genome position (GRCh38, 1-based): chr16:2,090,416, T>G on the plus strand (A>C on the coding strand, the complement: PKD1 is on the minus strand). VCF-style: chr16-2090416-T-G. GRCh37 (hg19) VCF-style: chr16-2140417-T-G.
Other names: c.12310A>C (NM_000296.3); c.12310A>C, p.Ile4104Leu (NM_000296.4); short protein forms I4104L, I4105L.
Identifiers: ClinVar variation 3042848 (VCV003042848.4), dbSNP rs536724092, ClinGen allele CA7828690.
Genomic context (GRCh38, chr16:2,090,416, plus strand): 5'-GGGGCTCCCAGGCCGGCCGGTACAGCTCTCCACGCAAGGCGTGGTAGCGCCAGCGGAGAA[T>G]AACAGCCCCCAGCCGTAGGGCGCCCCACAGCCGCAGTGCCCAGAGCCCCACACACAGCAG-3'
Protein context (NP_001009944.3, residues 4095-4115): LWGALRLGAV[Ile4105Leu]LRWRYHALRG